The following is an entry in ClinVar:

ClinVar aggregate classification (germline): Uncertain significance (1 of 4 stars; one submission).

Allele frequency attached by ClinVar (database versions not stated): gnomAD 0.00001; gnomAD exomes 0.00001; TOPMed 0.00001.
gnomAD v4.1: 22 of 1,614,000 alleles (0.0014%); highest among the groups gnomAD compares: African/African-American, 0.0027%; no homozygotes.

Submission:

Labcorp Genetics (formerly Invitae), Labcorp
Classification: Uncertain significance. Last evaluated: 2023-03-27. Review status: criteria provided, single submitter. Criteria: Invitae Variant Classification Sherloc (09022015). Collection method: clinical testing. Allele origin: germline.
Comment: In summary, the available evidence is currently insufficient to determine the role of this variant in disease. Therefore, it has been classified as a Variant of Uncertain Significance. Advanced modeling of protein sequence and biophysical properties (such as structural, functional, and spatial information, amino acid conservation, physicochemical variation, residue mobility, and thermodynamic stability) performed at Invitae indicates that this missense variant is not expected to disrupt KMT2A protein function. ClinVar contains an entry for this variant (Variation ID: 1984965). This variant has not been reported in the literature in individuals affected with KMT2A-related conditions. This variant is present in population databases (no rsID available, gnomAD 0.002%). This sequence change replaces lysine, which is basic and polar, with glutamic acid, which is acidic and polar, at codon 334 of the KMT2A protein (p.Lys334Glu).

NM_001197104.2(KMT2A):c.1000A>G (p.Lys334Glu)

Gene: KMT2A (lysine methyltransferase 2A; plus strand). Cytogenetic location: 11q23.3.
Variant type: single nucleotide variant.
Coding change: c.1000A>G on transcript NM_001197104.2 (MANE Select); coding-DNA position 1000, A replaced by G.
Protein change: p.Lys334Glu; replaces lysine 334 with glutamic acid.
Molecular consequence: missense variant.
Genome position (GRCh38, 1-based): chr11:118,472,159, A>G. VCF-style: chr11-118472159-A-G. GRCh37 (hg19) VCF-style: chr11-118342874-A-G.
Other names: c.1099A>G, p.Lys367Glu (NM_001412597.1); c.1000A>G, p.Lys334Glu (NM_005933.4); short protein forms K367E, K334E.
Identifiers: ClinVar variation 1984965 (VCV001984965.4), dbSNP rs1555035749, ClinGen allele CA382808790.